The following is an entry in ClinVar:

ClinVar aggregate classification (germline): Likely benign. Review status: criteria provided, multiple submitters, no conflicts (2 of 4 stars). 3 submissions from 3 submitters: Likely benign (2). 1 of the submissions does not count toward it. Last evaluated 2025-12-17.

Conditions:
Inborn genetic diseases. Identifiers: MedGen C0950123, MeSH D030342.
GLI2-related disorder. Also called: GLI2-related condition; GLI2-related disorders.
Holoprosencephaly 9 (HPE9). Also called: PITUITARY ANOMALIES WITH HOLOPROSENCEPHALY-LIKE FEATURES; HOLOPROSENCEPHALY WITH MICROPHTHALMIA AND FIRST BRANCHIAL ARCH ANOMALIES. Identifiers: Orphanet 2162, MedGen C1835819, MONDO:0012563, OMIM 610829.
Postaxial polydactyly-anterior pituitary anomalies-facial dysmorphism syndrome. Also called: Culler-Jones syndrome. Identifiers: Orphanet 420584, MedGen C4014479, MONDO:0014369, OMIM 615849.

Allele frequency attached by ClinVar (database versions not stated): ExAC 0.00009; gnomAD 0.00004; TOPMed 0.00005.
gnomAD v4.1: 32 of 1,501,662 alleles (0.0021%); highest among the groups gnomAD compares: Admixed American, 0.063%; no homozygotes.

Submissions (3):

Labcorp Genetics (formerly Invitae), Labcorp
Classification: Likely benign for Postaxial polydactyly-anterior pituitary anomalies-facial dysmorphism syndrome; Holoprosencephaly 9. Last evaluated: 2025-12-17. Review status: criteria provided, single submitter. Criteria: Invitae Variant Classification Sherloc (09022015). Collection method: clinical testing. Allele origin: germline.

Ambry Genetics
Classification: Likely benign for Inborn genetic diseases. Last evaluated: 2021-07-09. Review status: criteria provided, single submitter. Criteria: Ambry Variant Classification Scheme 2023. Collection method: clinical testing. Allele origin: germline.

PreventionGenetics, part of Exact Sciences
Classification: Likely benign for GLI2-related condition. Last evaluated: 2023-09-25. Review status: no assertion criteria provided. Collection method: clinical testing. Allele origin: germline. Not counted in ClinVar's aggregate classification.
Comment: This variant is classified as likely benign based on ACMG/AMP sequence variant interpretation guidelines (Richards et al. 2015 PMID: 25741868, with internal and published modifications).

NM_001374353.1(GLI2):c.2589C>A (p.Asn863Lys)

Gene: GLI2 (GLI family zinc finger 2; plus strand). Cytogenetic location: 2q14.2.
Variant type: single nucleotide variant.
Coding change: c.2589C>A on transcript NM_001374353.1 (MANE Select); coding-DNA position 2589, C replaced by A.
Protein change: p.Asn863Lys; replaces asparagine 863 with lysine.
Molecular consequence: missense variant.
Genome position (GRCh38, 1-based): chr2:120,988,554, C>A. VCF-style: chr2-120988554-C-A. GRCh37 (hg19) VCF-style: chr2-121746130-C-A.
Other names: c.2640C>A, p.Asn880Lys (NM_001371271.1, NM_005270.5); c.2214C>A, p.Asn738Lys (NM_001374354.1); c.2640C>A (NM_005270.4); short protein forms N863K, N880K, N738K.
Identifiers: ClinVar variation 2948036 (VCV002948036.6), dbSNP rs745923540, ClinGen allele CA1852260.
Genomic context (GRCh38, chr2:120,988,554, plus strand): 5'-GGACGCGTCGCGGCGCTCGAGCGAGGCCAGCCAGTGCAGCGGCGGCTCCGGGCTGCTCAA[C>A]CTCACGCCGGCGCAGCAGTACAGCCTGCGGGCCAAGTACGCGGCAGCCACTGGCGGCCCC-3'
Protein context (NP_001361282.1, residues 853-873): SQCSGGSGLL[Asn863Lys]LTPAQQYSLR